The following is an entry in ClinVar:

ClinVar aggregate classification (germline): Uncertain significance (1 of 4 stars; one submission).

Submission:

Labcorp Genetics (formerly Invitae), Labcorp
Classification: Uncertain significance. Last evaluated: 2025-04-01. Review status: criteria provided, single submitter. Criteria: Invitae Variant Classification Sherloc (09022015). Collection method: clinical testing. Allele origin: germline.
Comment: This sequence change replaces serine, which is neutral and polar, with cysteine, which is neutral and slightly polar, at codon 157 of the NFIA protein (p.Ser157Cys). This variant is not present in population databases (gnomAD no frequency). This variant has not been reported in the literature in individuals affected with NFIA-related conditions. An algorithm developed to predict the effect of missense changes on protein structure and function (PolyPhen-2) suggests that this variant is likely to be disruptive. In summary, the available evidence is currently insufficient to determine the role of this variant in disease. Therefore, it has been classified as a Variant of Uncertain Significance.

NM_001134673.4(NFIA):c.470C>G (p.Ser157Cys)

Gene: NFIA (nuclear factor I A; plus strand). Cytogenetic location: 1p31.3.
Variant type: single nucleotide variant.
Coding change: c.470C>G on transcript NM_001134673.4 (MANE Select); coding-DNA position 470, C replaced by G.
Protein change: p.Ser157Cys; replaces serine 157 with cysteine.
Molecular consequence: missense variant.
Genome position (GRCh38, 1-based): chr1:61,088,591, C>G. VCF-style: chr1-61088591-C-G. GRCh37 (hg19) VCF-style: chr1-61554263-C-G.
Other names: c.446C>G, p.Ser149Cys (NM_001145511.2); c.605C>G, p.Ser202Cys (NM_001145512.2); c.470C>G, p.Ser157Cys (NM_005595.5); short protein forms S202C, S149C, S157C.
Identifiers: ClinVar variation 4716486 (VCV004716486.1).